The following is an entry in ClinVar:

NM_004168.4(SDHA):c.835A>G (p.Met279Val)

Gene: SDHA (succinate dehydrogenase complex flavoprotein subunit A; plus strand). Cytogenetic location: 5p15.33.
Variant type: single nucleotide variant.
Coding change: c.835A>G on transcript NM_004168.4 (MANE Select); coding-DNA position 835, A replaced by G.
Protein change: p.Met279Val; replaces methionine 279 with valine.
Molecular consequence: missense variant.
Genome position (GRCh38, 1-based): chr5:230,940, A>G. VCF-style: chr5-230940-A-G. GRCh37 (hg19) VCF-style: chr5-231055-A-G.
Other names: p.Met279Val; c.691A>G, p.Met231Val (NM_001294332.2); c.835A>G, p.Met279Val (NM_001330758.2); short protein forms M279V, M231V.
Identifiers: ClinVar variation 412355 (VCV000412355.14), dbSNP rs755913710, ClinGen allele CA3173004.
Genomic context (GRCh38, chr5:230,940, plus strand): 5'-TACGGGCGCACCTACTTCAGCTGCACGTCTGCCCACACCAGCACTGGCGACGGCACGGCC[A>G]TGATCACCAGGGCAGGCCTTCCTTGCCAGGACCTAGAGTTTGTTCAGTTCCACCCTACAG-3'
Protein context (NP_004159.2, residues 269-289): AHTSTGDGTA[Met279Val]ITRAGLPCQD

ClinVar aggregate classification (germline): Uncertain significance. Review status: criteria provided, multiple submitters, no conflicts (2 of 4 stars). 3 submissions from 3 submitters: Uncertain significance (3). Last evaluated 2026-05-10.

Conditions:
Mitochondrial complex II deficiency, nuclear type 1. Also called: SUCCINATE CoQ REDUCTASE DEFICIENCY. Identifiers: Orphanet 3208, MedGen C5700310, MONDO:0100294, OMIM 252011.
Pheochromocytoma/paraganglioma syndrome 5. Also called: SDHA-Related Hereditary Paraganglioma-Pheochromocytoma Syndrome; Paragangliomas 5. Identifiers: Orphanet 29072, MedGen C3279992, MONDO:0013602, OMIM 614165.
Hereditary cancer-predisposing syndrome. Also called: Neoplastic Syndromes, Hereditary; Hereditary Cancer Syndrome; Tumor predisposition; Hereditary neoplastic syndrome. Identifiers: Orphanet 140162, MedGen C0027672, MeSH D009386, MONDO:0015356.

Allele frequency attached by ClinVar (database versions not stated): gnomAD exomes below 0.00001; ExAC 0.00001; gnomAD 0.00001; TOPMed 0.00001.
gnomAD v4.1: 3 of 1,613,922 alleles (0.00019%); highest among the groups gnomAD compares: Non-Finnish European, 0.00025%; no homozygotes.

Submissions (3):

Ambry Genetics
Classification: Uncertain significance for Hereditary cancer-predisposing syndrome. Last evaluated: 2026-05-10. Review status: criteria provided, single submitter. Criteria: Ambry Variant Classification Scheme 2023. Collection method: clinical testing. Allele origin: germline.
Comment: The c.835A>G (p.M279V) alteration is located in exon 7 (coding exon 7) of the SDHA gene. This alteration results from a A to G substitution at nucleotide position 835, causing the methionine (M) at amino acid position 279 to be replaced by a valine (V). Based on data from gnomAD, the G allele has an overall frequency of <0.001% (1/251240) total alleles studied. The highest observed frequency was 0.001% (1/113558) of European (non-Finnish) alleles. Based on insufficient or conflicting evidence, the clinical significance of this alteration remains unclear.

Labcorp Genetics (formerly Invitae), Labcorp
Classification: Uncertain significance for Pheochromocytoma/paraganglioma syndrome 5; Mitochondrial complex II deficiency, nuclear type 1. Last evaluated: 2026-01-05. Review status: criteria provided, single submitter. Criteria: Invitae Variant Classification Sherloc (09022015). Collection method: clinical testing. Allele origin: germline.
Comment: This sequence change replaces methionine, which is neutral and non-polar, with valine, which is neutral and non-polar, at codon 279 of the SDHA protein (p.Met279Val). This variant is present in population databases (rs755913710, gnomAD 0.0009%). This variant has not been reported in the literature in individuals affected with SDHA-related conditions. ClinVar contains an entry for this variant (Variation ID: 412355). Invitae Evidence Modeling of protein sequence and biophysical properties (such as structural, functional, and spatial information, amino acid conservation, physicochemical variation, residue mobility, and thermodynamic stability) indicates that this missense variant is not expected to disrupt SDHA protein function with a negative predictive value of 95%. In summary, the available evidence is currently insufficient to determine the role of this variant in disease. Therefore, it has been classified as a Variant of Uncertain Significance.

Mayo Clinic Laboratories, Mayo Clinic
Classification: Uncertain significance. Last evaluated: 2023-04-27. Review status: criteria provided, single submitter. Criteria: ACMG Guidelines, 2015. Collection method: clinical testing. Allele origin: germline. Observed: 1 variant allele.